The following is an entry in ClinVar:

NM_139027.6(ADAMTS13):c.3043A>G (p.Arg1015Gly)

Gene: ADAMTS13 (ADAM metallopeptidase with thrombospondin type 1 motif 13; plus strand). Cytogenetic location: 9q34.2.
Variant type: single nucleotide variant.
Coding change: c.3043A>G on transcript NM_139027.6 (MANE Select); coding-DNA position 3043, A replaced by G.
Protein change: p.Arg1015Gly; replaces arginine 1015 with glycine.
Molecular consequence: missense variant. On other transcripts: non-coding transcript variant (1).
Genome position (GRCh38, 1-based): chr9:133,449,964, A>G. VCF-style: chr9-133449964-A-G. GRCh37 (hg19) VCF-style: chr9-136315085-A-G.
Other names: c.3043A>G, p.Arg1015Gly (NM_139025.5); c.2950A>G, p.Arg984Gly (NM_139026.6); short protein forms R1015G, R984G.
Identifiers: ClinVar variation 2113510 (VCV002113510.4), dbSNP rs1265277092, ClinGen allele CA375407020.

ClinVar aggregate classification (germline): Uncertain significance (1 of 4 stars; one submission).

Allele frequency attached by ClinVar (database versions not stated): gnomAD exomes below 0.00001; gnomAD 0.00001; TOPMed 0.00001.
gnomAD v4.1: 5 of 1,597,578 alleles (0.00031%); highest among the groups gnomAD compares: Non-Finnish European, 0.00043%; no homozygotes.

Submission:

Labcorp Genetics (formerly Invitae), Labcorp
Classification: Uncertain significance. Last evaluated: 2022-04-08. Review status: criteria provided, single submitter. Criteria: Invitae Variant Classification Sherloc (09022015). Collection method: clinical testing. Allele origin: germline.
Comment: This sequence change replaces arginine, which is basic and polar, with glycine, which is neutral and non-polar, at codon 1015 of the ADAMTS13 protein (p.Arg1015Gly). This variant is present in population databases (no rsID available, gnomAD 0.001%). This variant has not been reported in the literature in individuals affected with ADAMTS13-related conditions. Algorithms developed to predict the effect of missense changes on protein structure and function (SIFT, PolyPhen-2, Align-GVGD) all suggest that this variant is likely to be disruptive. In summary, the available evidence is currently insufficient to determine the role of this variant in disease. Therefore, it has been classified as a Variant of Uncertain Significance.